The following is an entry in ClinVar:

NM_001324418.2(ADAM22):c.516A>G (p.Pro172=)

Gene: ADAM22 (ADAM metallopeptidase domain 22; plus strand). Cytogenetic location: 7q21.12.
Variant type: single nucleotide variant.
Coding change: c.516A>G on transcript NM_001324418.2 (MANE Select); coding-DNA position 516, A replaced by G.
Protein change: p.Pro172=; no amino-acid change (proline 172 retained).
Molecular consequence: synonymous variant.
Genome position (GRCh38, 1-based): chr7:88,114,626, A>G. VCF-style: chr7-88114626-A-G. GRCh37 (hg19) VCF-style: chr7-87743941-A-G.
Other names: c.516A>G, p.Pro172= (NM_001391976.1, NM_001391977.1, NM_004194.5 and 6 more transcripts); c.513A>G, p.Pro171= (NM_001391978.1, NM_001391979.1, NM_001391981.1 and 2 more transcripts); c.567A>G, p.Pro189= (NM_001391980.1, NM_001391982.1, NM_001391975.1).
Identifiers: ClinVar variation 2657661 (VCV002657661.25), dbSNP rs1040797874, ClinGen allele CA162133807.

ClinVar aggregate classification (germline): Likely benign. Review status: criteria provided, multiple submitters, no conflicts (2 of 4 stars). 2 submissions from 2 submitters: Likely benign (2). Last evaluated 2024-08-07.

Allele frequency attached by ClinVar (database versions not stated): gnomAD 0.00002; gnomAD exomes 0.00002; TOPMed 0.00003.
gnomAD v4.1: 30 of 1,613,874 alleles (0.0019%); highest among the groups gnomAD compares: Admixed American, 0.005%; no homozygotes.

Submissions (2):

Blueprint Genetics
Classification: Likely benign. Last evaluated: 2024-08-07. Review status: criteria provided, single submitter. Criteria: ACMG Guidelines, 2015. Collection method: clinical testing. Allele origin: germline.

CeGaT Center for Human Genetics Tuebingen
Classification: Likely benign. Last evaluated: 2022-10-01. Review status: criteria provided, single submitter. Criteria: CeGaT Center For Human Genetics Tuebingen Variant Classification Criteria Version 2. Collection method: clinical testing. Allele origin: germline. Affected: yes. Observed: 1 variant allele.
Comment: ADAM22: BP4, BP7